The following is an entry in ClinVar:

NM_001291303.3(FAT4):c.418A>G (p.Ile140Val)

Gene: FAT4 (FAT atypical cadherin 4; plus strand). Cytogenetic location: 4q28.1.
Variant type: single nucleotide variant.
Coding change: c.418A>G on transcript NM_001291303.3 (MANE Select); coding-DNA position 418, A replaced by G.
Protein change: p.Ile140Val; replaces isoleucine 140 with valine.
Molecular consequence: missense variant.
Genome position (GRCh38, 1-based): chr4:125,316,829, A>G. VCF-style: chr4-125316829-A-G. GRCh37 (hg19) VCF-style: chr4-126237984-A-G.
Other names: c.418A>G (NM_024582.4, NM_024582.5); c.418A>G, p.Ile140Val (NM_001291285.3, NM_024582.6); short protein forms I140V.
Identifiers: ClinVar variation 1037201 (VCV001037201.21), dbSNP rs1730623781, ClinGen allele CA358115752.

ClinVar aggregate classification (germline): Uncertain significance. Review status: criteria provided, multiple submitters, no conflicts (2 of 4 stars). 4 submissions from 4 submitters: Uncertain significance (4). Last evaluated 2025-07-14.

Conditions:
Van Maldergem syndrome 2 (VMLDS2). Identifiers: Orphanet 314679, MedGen C3809875, MONDO:0014242, OMIM 615546.
Hennekam lymphangiectasia-lymphedema syndrome 2 (HKLLS2). Identifiers: Orphanet 2136, MedGen C4014939, MONDO:0014454, OMIM 616006.

gnomAD v4.1: 2 of 1,613,954 alleles (0.00012%); no homozygotes.

Submissions (4):

Labcorp Genetics (formerly Invitae), Labcorp
Classification: Uncertain significance. Last evaluated: 2025-07-14. Review status: criteria provided, single submitter. Criteria: Invitae Variant Classification Sherloc (09022015). Collection method: clinical testing. Allele origin: germline.
Comment: This sequence change replaces isoleucine, which is neutral and non-polar, with valine, which is neutral and non-polar, at codon 140 of the FAT4 protein (p.Ile140Val). This variant is not present in population databases (gnomAD no frequency). This variant has not been reported in the literature in individuals affected with FAT4-related conditions. ClinVar contains an entry for this variant (Variation ID: 1037201). Invitae Evidence Modeling of protein sequence and biophysical properties (such as structural, functional, and spatial information, amino acid conservation, physicochemical variation, residue mobility, and thermodynamic stability) indicates that this missense variant is not expected to disrupt FAT4 protein function with a negative predictive value of 95%. In summary, the available evidence is currently insufficient to determine the role of this variant in disease. Therefore, it has been classified as a Variant of Uncertain Significance.

CeGaT Center for Human Genetics Tuebingen
Classification: Uncertain significance. Last evaluated: 2024-09-01. Review status: criteria provided, single submitter. Criteria: CeGaT Center For Human Genetics Tuebingen Variant Classification Criteria Version 2. Collection method: clinical testing. Allele origin: germline. Affected: yes. Observed: 1 variant allele.
Comment: FAT4: PM2

Fulgent Genetics
Classification: Uncertain significance for Van Maldergem syndrome 2; Hennekam lymphangiectasia-lymphedema syndrome 2. Last evaluated: 2024-06-15. Review status: criteria provided, single submitter. Criteria: ACMG Guidelines, 2015. Collection method: clinical testing. Allele origin: germline.

GeneDx
Classification: Uncertain significance. Last evaluated: 2024-01-12. Review status: criteria provided, single submitter. Criteria: GeneDx Variant Classification Process June 2021. Collection method: clinical testing. Allele origin: germline. Affected: yes.
Comment: Not observed at significant frequency in large population cohorts (gnomAD); In silico analysis supports that this missense variant does not alter protein structure/function; Has not been previously published as pathogenic or benign to our knowledge